The following is an entry in ClinVar:

ClinVar aggregate classification (germline): Benign/Likely benign. Review status: criteria provided, multiple submitters, no conflicts (2 of 4 stars). 9 submissions from 9 submitters: Benign (5); Likely benign (1). 3 of the submissions do not count toward it. Last evaluated 2026-02-04.

Conditions:
Retinal dystrophy. Also called: Inherited retinal dystrophy. Identifiers: Orphanet 71862, MedGen C0854723, MeSH D058499, MONDO:0019118, HP:0000556.
Retinitis pigmentosa (RP). Identifiers: Orphanet 791, MedGen C0035334, MeSH D012174, MONDO:0019200, OMIM 268000. Inheritance: Autosomal dominant, autosomal recessive and X linked inheritance.
Retinitis pigmentosa 25 (RP25). Identifiers: Orphanet 791, MedGen C1864446, MONDO:0011272, OMIM 602772.

Allele frequency attached by ClinVar (database versions not stated): gnomAD 0.09852 and 0.10091; ExAC 0.10119; gnomAD exomes 0.11783; 1000 Genomes Project 0.09385; ESP Exome Variant Server 0.10841; 1000 Genomes Project 30x 0.09244; TOPMed 0.10459.
gnomAD v4.1: 200,211 of 1,549,136 alleles (13%); highest among the groups gnomAD compares: East Asian, 15%; 13,834 homozygotes.

Submissions (9):

Labcorp Genetics (formerly Invitae), Labcorp
Classification: Benign. Last evaluated: 2026-02-04. Review status: criteria provided, single submitter. Criteria: Invitae Variant Classification Sherloc (09022015). Collection method: clinical testing. Allele origin: germline.

Women's Health and Genetics/Laboratory Corporation of America, LabCorp
Classification: Likely benign. Last evaluated: 2025-11-24. Review status: criteria provided, single submitter. Criteria: LabCorp Variant Classification Summary - May 2015. Collection method: clinical testing. Allele origin: germline.

Dept Of Ophthalmology, Nagoya University
Classification: Benign for Retinal dystrophy. Last evaluated: 2023-10-01. Review status: criteria provided, single submitter. Criteria: Submitter's publication. Collection method: research. Allele origin: germline. Affected: yes.

Genome-Nilou Lab
Classification: Benign for Retinitis pigmentosa 25. Last evaluated: 2021-07-01. Review status: criteria provided, single submitter. Criteria: ACMG Guidelines, 2015. Collection method: clinical testing. Allele origin: germline. Affected: no.

Illumina Laboratory Services, Illumina
Classification: Benign for Retinitis pigmentosa. Last evaluated: 2018-01-13. Review status: criteria provided, single submitter. Criteria: ICSL Variant Classification Criteria 13 December 2019. Collection method: clinical testing. Allele origin: germline.
Comment: This variant was observed in the ICSL laboratory as part of a predisposition screen in an ostensibly healthy population. It had not been previously curated by ICSL or reported in the Human Gene Mutation Database (HGMD: prior to June 1st, 2018), and was therefore a candidate for classification through an automated scoring system. Utilizing variant allele frequency, disease prevalence and penetrance estimates, and inheritance mode, an automated score was calculated to assess if this variant is too frequent to cause the disease. Based on the score and internal cut-off values, a variant classified as benign is not then subjected to further curation. The score for this variant resulted in a classification of benign for this disease.

GeneDx
Classification: Benign. Last evaluated: 2011-08-11. Review status: criteria provided, single submitter. Criteria: GeneDx Variant Classification (06012015). Collection method: clinical testing. Allele origin: germline. Affected: yes.
Comment: This variant is considered likely benign or benign based on one or more of the following criteria: it is a conservative change, it occurs at a poorly conserved position in the protein, it is predicted to be benign by multiple in silico algorithms, and/or has population frequency not consistent with disease.

Natera, Inc.
Classification: Benign for Retinitis pigmentosa. Last evaluated: 2020-09-16. Review status: no assertion criteria provided. Collection method: clinical testing. Allele origin: germline. Not counted in ClinVar's aggregate classification.

Clinical Genetics DNA and cytogenetics Diagnostics Lab, Erasmus MC, Erasmus Medical Center
Classification: Benign. Review status: no assertion criteria provided. Collection method: clinical testing. Allele origin: germline. Affected: yes. Study: VKGL Data-share Consensus. Not counted in ClinVar's aggregate classification.

Joint Genome Diagnostic Labs from Nijmegen and Maastricht, Radboudumc and MUMC+
Classification: Benign. Review status: no assertion criteria provided. Collection method: clinical testing. Allele origin: germline. Affected: yes. Study: VKGL Data-share Consensus. Not counted in ClinVar's aggregate classification.

NM_001142800.2(EYS):c.3787A>G (p.Ile1263Val)

Gene: EYS (EGF-like photoreceptor maintenance factor; minus strand). Cytogenetic location: 6q12.
Variant type: single nucleotide variant.
Coding change: c.3787A>G on transcript NM_001142800.2 (MANE Select); coding-DNA position 3787, A replaced by G.
Protein change: p.Ile1263Val; replaces isoleucine 1263 with valine.
Molecular consequence: missense variant.
Genome position (GRCh38, 1-based): chr6:64,593,207, T>C on the plus strand (A>G on the coding strand, the complement: EYS is on the minus strand). VCF-style: chr6-64593207-T-C. GRCh37 (hg19) VCF-style: chr6-65303100-T-C.
Other names: p.I1263V:ATT>GTT; c.3787A>G (FM209056.1); c.3787A>G, p.Ile1263Val (NM_001292009.2); short protein forms I1263V.
Identifiers: ClinVar variation 137241 (VCV000137241.24), dbSNP rs17404123, ClinGen allele CA290782.